The following is an entry in ClinVar:

ClinVar aggregate classification (germline): Conflicting classifications of pathogenicity. Review status: criteria provided, conflicting classifications (1 of 4 stars). 6 submissions from 6 submitters: Uncertain significance (4); Benign (2). Last evaluated 2026-01-27.

Conditions:
Basal cell carcinoma, susceptibility to, 1. Also called: BCC1. Identifiers: MedGen C2751544, MONDO:0011556, OMIM 605462.
Gorlin syndrome. Also called: Basal cell nevus syndrome; Nevoid Basal Cell Carcinoma Syndrome. Identifiers: Orphanet 377, MedGen C0004779, MONDO:0007187.
Holoprosencephaly 7 (HPE7). Identifiers: Orphanet 2162, MedGen C1835820, MONDO:0012562, OMIM 610828.
Hereditary cancer-predisposing syndrome. Also called: Hereditary Cancer Syndrome; Neoplastic Syndromes, Hereditary; Tumor predisposition; Hereditary neoplastic syndrome. Identifiers: Orphanet 140162, MedGen C0027672, MeSH D009386, MONDO:0015356.

Allele frequency attached by ClinVar (database versions not stated): gnomAD exomes below 0.00001; ExAC 0.00001; gnomAD 0.00001; TOPMed 0.00002.
gnomAD v4.1: 6 of 1,612,672 alleles (0.00037%); highest among the groups gnomAD compares: Middle Eastern, 0.016%; no homozygotes.

Submissions (6):

Labcorp Genetics (formerly Invitae), Labcorp
Classification: Benign for Gorlin syndrome. Last evaluated: 2026-01-27. Review status: criteria provided, single submitter. Criteria: Invitae Variant Classification Sherloc (09022015). Collection method: clinical testing. Allele origin: germline.

Women's Health and Genetics/Laboratory Corporation of America, LabCorp
Classification: Uncertain significance. Last evaluated: 2025-12-16. Review status: criteria provided, single submitter. Criteria: LabCorp Variant Classification Summary - May 2015. Collection method: clinical testing. Allele origin: germline.
Comment: Variant summary: PTCH1 c.2440A>C (p.Asn814His) results in a conservative amino acid change in the encoded protein sequence. Algorithms developed to predict the effect of missense changes on protein structure and function all suggest that this variant is likely to be tolerated. The variant allele was found at a frequency of 4e-06 in 251494 control chromosomes. The available data on variant occurrences in the general population are insufficient to allow any conclusion about variant significance. To our knowledge, no occurrence of c.2440A>C in individuals affected with Nevoid Basal Cell Carcinoma Syndrome (Gorlin Syndrome) and no experimental evidence demonstrating an impact on protein function have been reported. The following publication has been ascertained in the context of this evaluation (PMID: 35089076). ClinVar contains an entry for this variant (Variation ID: 188150). Based on the evidence outlined above, the variant was classified as uncertain significance.

Ambry Genetics
Classification: Benign for Hereditary cancer-predisposing syndrome. Last evaluated: 2024-03-20. Review status: criteria provided, single submitter. Criteria: Ambry Variant Classification Scheme 2023. Collection method: clinical testing. Allele origin: germline.

Quest Diagnostics Nichols Institute San Juan Capistrano
Classification: Uncertain significance. Last evaluated: 2023-12-12. Review status: criteria provided, single submitter. Criteria: Quest Diagnostics criteria. Collection method: clinical testing. Allele origin: unknown.
Comment: The PTCH1 c.2440A>C (p.Asn814His) variant has not been reported in individuals with PTCH1-related conditions in the published literature. The frequency of this variant in the general population, 0.000004 (1/251494 chromosomes (Genome Aggregation Database)), is uninformative in the assessment of its pathogenicity. Analysis of this variant using bioinformatics tools for the prediction of the effect of amino acid changes on protein structure and function yielded predictions that this variant is benign. Based on the available information, we are unable to determine the clinical significance of this variant.

Baylor Genetics
Classification: Uncertain significance for Basal cell carcinoma, susceptibility to, 1. Last evaluated: 2023-06-04. Review status: criteria provided, single submitter. Criteria: ACMG Guidelines, 2015. Collection method: clinical testing. Allele origin: unknown.

Fulgent Genetics
Classification: Uncertain significance for Basal cell nevus syndrome 1; Basal cell carcinoma, susceptibility to, 1; Holoprosencephaly 7. Last evaluated: 2018-10-31. Review status: criteria provided, single submitter. Criteria: ACMG Guidelines, 2015. Collection method: clinical testing. Allele origin: unknown.

Literature cited by the submitters: PubMed 35089076 (cited by Women's Health and Genetics/Laboratory Corporation of America, LabCorp).

NM_000264.5(PTCH1):c.2440A>C (p.Asn814His)

Genes: PTCH1 (patched 1; minus strand), LOC100507346 (uncharacterized LOC100507346; plus strand). Cytogenetic location: 9q22.32.
Variant type: single nucleotide variant.
Coding change: c.2440A>C on transcript NM_000264.5 (MANE Select); coding-DNA position 2440, A replaced by C.
Protein change: p.Asn814His; replaces asparagine 814 with histidine.
Molecular consequence: missense variant. On other transcripts: non-coding transcript variant (1).
Genome position (GRCh38, 1-based): chr9:95,467,236, T>G on the plus strand (A>C on the coding strand, the complement: PTCH1 is on the minus strand). VCF-style: chr9-95467236-T-G. GRCh37 (hg19) VCF-style: chr9-98229518-T-G.
Other names: c.2242A>C, p.Asn748His (NM_001083602.3); c.2437A>C, p.Asn813His (NM_001083603.3); c.1987A>C, p.Asn663His (NM_001083604.3, NM_001083605.3, NM_001083606.3 and 1 more transcripts); c.2284A>C, p.Asn762His (NM_001354918.2); c.2440A>C (NM_000264.4); short protein forms N748H, N814H, N762H, N663H, N813H.
Identifiers: ClinVar variation 188150 (VCV000188150.18), dbSNP rs754623561, ClinGen allele CA334170.
Genomic context (GRCh38, chr9:95,467,236, plus strand): 5'-ACATGACATACTTCACGTTACTGAAACTCCTGTGTAGGTCGTAAAGTAAGTGCTGGATAT[T>G]CGGGTAGTCTGCTTTCTGGGTGACTATATACATGTTGTAGAAAGAAAAGTATTTGAATTG-3'
Protein context (NP_000255.2, residues 804-824): YIVTQKADYP[Asn814His]IQHLLYDLHR